The following is an entry in ClinVar:

NM_024417.5(FDXR):c.1A>G (p.Met1Val)

Genes: FDXR (ferredoxin reductase; minus strand), LOC112533667 (Sharpr-MPRA regulatory region 86; plus strand). Cytogenetic location: 17q25.1.
Variant type: single nucleotide variant.
Coding change: c.1A>G on transcript NM_024417.5 (MANE Select); coding-DNA position 1, A replaced by G.
Protein change: p.Met1Val; changes the start codon (methionine 1).
Molecular consequence: missense variant, initiator codon variant. On other transcripts: non-coding transcript variant (1).
Genome position (GRCh38, 1-based): chr17:74,872,944, T>C on the plus strand (A>G on the coding strand, the complement: FDXR is on the minus strand). VCF-style: chr17-74872944-T-C. GRCh37 (hg19) VCF-style: chr17-72869069-T-C.
Other names: c.1A>G, p.Met1Val (NM_001258012.4, NM_001258013.4, NM_001258014.4 and 2 more transcripts); short protein forms M1V.
Identifiers: ClinVar variation 489042 (VCV000489042.6), dbSNP rs1323016653, ClinGen allele CA400980590.

ClinVar aggregate classification (germline): Pathogenic/Likely pathogenic. Review status: criteria provided, multiple submitters, no conflicts (2 of 4 stars). 4 submissions from 4 submitters: Pathogenic (1); Likely pathogenic (2). 1 of the submissions does not count toward it. Last evaluated 2019-02-05.

Conditions:
FDXR-related disorder. Also called: FDXR-related condition; FDXR-related disorders.
Multiple mitochondrial dysfunctions syndrome 9b. Identifiers: MedGen C5935635, MONDO:0971174, OMIM 620887.
Auditory neuropathy-optic atrophy syndrome. Also called: AUDITORY NEUROPATHY AND OPTIC ATROPHY; MULTIPLE MITOCHONDRIAL DYSFUNCTIONS SYNDROME 9A. Identifiers: Orphanet 542585, MedGen C4521678, MONDO:0060582, OMIM 617717.

Submissions (4):

Blueprint Genetics
Classification: Likely pathogenic for FDXR-related disorders. Last evaluated: 2019-02-05. Review status: criteria provided, single submitter. Criteria: ACMG Guidelines, 2015. Collection method: clinical testing. Allele origin: germline. Affected: yes. Observed: 2 variant alleles.

GeneDx
Classification: Pathogenic. Last evaluated: 2017-12-04. Review status: criteria provided, single submitter. Criteria: GeneDx Variant Classification (06012015). Collection method: clinical testing. Allele origin: germline. Affected: yes.
Comment: The c.1 A>G variant in the FDXR gene has not been reported previously as a pathogenic variant, nor as a benign variant, to our knowledge. The c.1 A>G variant is not observed in large population cohorts (Lek et al., 2016; 1000 Genomes Consortium et al., 2015; Exome Variant Server). This variant alters the initiator Methionine codon, and the resultant protein would be described as p.Met1? using a question mark to signify that it is not known if the loss of Met1 means that all protein translation is completely prevented or if an abnormal protein is produced using an alternate Met. We interpret c.1 A>G as a pathogenic variant.

Neuberg Centre For Genomic Medicine, NCGM
Classification: Likely pathogenic for Auditory neuropathy-optic atrophy syndrome. Review status: criteria provided, single submitter. Criteria: ACMG Guidelines, 2015. Collection method: clinical testing. Allele origin: germline. Affected: yes.
Comment: The initiator codon variant p.M1V in FDXR (NM_024417.5) has been submitted to the ClinVar database as Pathogenic, however no patient details are available to make an independent assesment.It has not been reported in literature in affected indviduals. The p.M1V variant is novel (not in any individuals) in gnomAD Exomes and is novel (not in any individuals) in 1000 Genomes.It affected the first initiation codon and is expected to cause start loss. For these reasons, this variant has been classified as Likely Pathogenic.

OMIM
Classification: Pathogenic for MULTIPLE MITOCHONDRIAL DYSFUNCTIONS SYNDROME 9B. Last evaluated: 2024-07-16. Review status: no assertion criteria provided. Collection method: literature only. Allele origin: germline. Not counted in ClinVar's aggregate classification.

Literature cited by the submitters: PubMed 30250212 (cited by OMIM).